The following is an entry in ClinVar:

NM_002474.3(MYH11):c.5787-4683C>A

Genes: NDE1 (nudE neurodevelopment protein 1; plus strand), MYH11 (myosin heavy chain 11; minus strand). Cytogenetic location: 16p13.11.
Variant type: single nucleotide variant.
Coding change: c.5787-4683C>A on transcript NM_002474.3 (MANE Select); 4683 bases into the intron before coding-DNA position 5787, C replaced by A.
Molecular consequence: intron variant. On other transcripts: 3 prime UTR variant (2).
Genome position (GRCh38, 1-based): chr16:15,708,806, G>T on the plus strand (C>A on the coding strand, the complement: MYH11 is on the minus strand). VCF-style: chr16-15708806-G-T. GRCh37 (hg19) VCF-style: chr16-15802663-G-T.
Other names: c.*5C>A (NM_001040113.2, NM_022844.3); c.947+11946G>T (NM_001143979.2, NM_017668.3); c.5808-4683C>A (NM_001040114.2).
Identifiers: ClinVar variation 2773779 (VCV002773779.2), dbSNP rs886038393, ClinGen allele CA394844494.

ClinVar aggregate classification (germline): Uncertain significance (1 of 4 stars; one submission).

Conditions:
Familial thoracic aortic aneurysm and aortic dissection (TAAD). Also called: Thoracic aortic aneurysms and dissections. Identifiers: Orphanet 91387, MedGen C4707243, MONDO:0019625.

Submission:

Color Diagnostics, LLC DBA Color Health
Classification: Uncertain significance for Familial thoracic aortic aneurysm and aortic dissection. Last evaluated: 2023-07-06. Review status: criteria provided, single submitter. Criteria: ACMG Guidelines, 2015. Collection method: clinical testing. Allele origin: germline.
Comment: This variant is located in the 3' untranslated region of the MYH11 gene. To our knowledge, functional studies have not been reported for this variant. This variant has not been reported in individuals affected with MYH11-related disorders in the literature. This variant has not been identified in the general population by the Genome Aggregation Database (gnomAD). The available evidence is insufficient to determine the role of this variant in disease conclusively. Therefore, this variant is classified as a Variant of Uncertain Significance.